The following is an entry in ClinVar:

NM_000136.3(FANCC):c.514C>T (p.Gln172Ter)

Gene: FANCC (FA complementation group C; minus strand). Cytogenetic location: 9q22.32.
Variant type: single nucleotide variant.
Coding change: c.514C>T on transcript NM_000136.3 (MANE Select); coding-DNA position 514, C replaced by T.
Protein change: p.Gln172Ter; replaces glutamine 172 with a stop codon.
Molecular consequence: nonsense.
Genome position (GRCh38, 1-based): chr9:95,171,086, G>A on the plus strand (C>T on the coding strand, the complement: FANCC is on the minus strand). VCF-style: chr9-95171086-G-A. GRCh37 (hg19) VCF-style: chr9-97933368-G-A.
Other names: c.514C>T, p.Gln172Ter (NM_001243743.2, NM_001243744.2); short protein forms Q172*.
Identifiers: ClinVar variation 1705209 (VCV001705209.1), dbSNP rs769998628, ClinGen allele CA374338553.

ClinVar aggregate classification (germline): Likely pathogenic (1 of 4 stars; one submission).

Conditions:
Fanconi anemia complementation group C (FANCC). Also called: FANCONI PANCYTOPENIA, TYPE 3; FACC; Fanconi anemia, group C; FANCC-Related Fanconi Anemia. Identifiers: Orphanet 84, MedGen C3468041, MONDO:0009213, OMIM 227645.

gnomAD v4.1: 1 of 1,611,476 alleles (0.000062%); highest among the groups gnomAD compares: Non-Finnish European, 0.000085%; no homozygotes.

Submission:

Women's Health and Genetics/Laboratory Corporation of America, LabCorp
Classification: Likely pathogenic for Fanconi anemia complementation group C. Last evaluated: 2022-08-26. Review status: criteria provided, single submitter. Criteria: LabCorp Variant Classification Summary - May 2015. Collection method: clinical testing. Allele origin: germline.
Comment: Variant summary: FANCC c.514C>T (p.Gln172X) results in a premature termination codon, predicted to cause a truncation of the encoded protein or absence of the protein due to nonsense mediated decay, which are commonly known mechanisms for disease. Truncations downstream of this position have been classified as pathogenic by our laboratory and in ClinVar. The variant was absent in 251172 control chromosomes (gnomAD). To our knowledge, no occurrence of c.514C>T in individuals affected with Fanconi Anemia Group C and no experimental evidence demonstrating its impact on protein function have been reported. No clinical diagnostic laboratories have submitted clinical-significance assessments for this variant to ClinVar after 2014. Based on the evidence outlined above, the variant was classified as likely pathogenic.